The following is an entry in ClinVar:

NM_000892.5(KLKB1):c.1643G>A (p.Cys548Tyr)

Gene: KLKB1 (kallikrein B1; plus strand). Cytogenetic location: 4q35.2.
Variant type: single nucleotide variant.
Coding change: c.1643G>A on transcript NM_000892.5 (MANE Select); coding-DNA position 1643, G replaced by A.
Protein change: p.Cys548Tyr; replaces cysteine 548 with tyrosine.
Molecular consequence: missense variant. On other transcripts: intron variant (1).
Genome position (GRCh38, 1-based): chr4:186,257,283, G>A. VCF-style: chr4-186257283-G-A. GRCh37 (hg19) VCF-style: chr4-187178437-G-A.
Other names: C529Y; c.1037G>A, p.Cys346Tyr (NM_001318396.2); c.1472-738G>A (NM_001318394.2); short protein forms C548Y, C346Y.
Identifiers: ClinVar variation 12035 (VCV000012035.6), dbSNP rs121964951, ClinGen allele CA121831.

ClinVar aggregate classification (germline): Conflicting classifications of pathogenicity. Review status: criteria provided, conflicting classifications (1 of 4 stars). 5 submissions from 5 submitters: Pathogenic (3); Uncertain significance (1). 1 of the submissions does not count toward it. Last evaluated 2026-04-01.

Conditions:
KLKB1-related disorder. Also called: KLKB1-related condition.
Inherited prekallikrein deficiency. Identifiers: Orphanet 749, MedGen CN305372, MONDO:0012901, OMIM 612423.
Prekallikrein deficiency. Also called: PKK DEFICIENCY; FLETCHER FACTOR DEFICIENCY. Identifiers: MedGen C0272339, MONDO:0044744.

Allele frequency attached by ClinVar (database versions not stated): gnomAD 0.00052 and 0.00054; gnomAD exomes 0.00068 and 0.00074; TOPMed 0.00070; ExAC 0.00075.

Submissions (5):

PreventionGenetics, part of Exact Sciences
Classification: Pathogenic for KLKB1-related condition. Last evaluated: 2026-04-01. Review status: criteria provided, single submitter. Criteria: ACMG Guidelines, 2015. Collection method: clinical testing. Allele origin: germline.
Comment: The KLKB1 c.1643G>A variant is predicted to result in the amino acid substitution p.Cys548Tyr. This variant has been reported in the compound heterozygous or homozygous state in individuals with prekallikrein deficiency (also known as p.Cys529Tyr; see, for example: Lombardi et al. 2003. PubMed ID: 14652634; Barco et al. 2020. PubMed ID: 32202057). This variant is reported in 0.10% of alleles in individuals of Latino descent in gnomAD. This variant is interpreted as pathogenic.

Variantyx, Inc.
Classification: Pathogenic for Inherited prekallikrein deficiency. Last evaluated: 2025-03-27. Review status: criteria provided, single submitter. Criteria: Variantyx Assertion Criteria 2022. Collection method: clinical testing. Allele origin: paternal. Inheritance: Autosomal recessive inheritance.
Comment: This is a nonsynonymous variant in the KLKB1 gene (OMIM: 229000). Pathogenic variants in this gene have been associated with autosomal recessive Fletcher factor (prekallikrein) deficiency. Multiple computational algorithms predict a deleterious effect for this variant (REVEL score: 0.965) (PP3). This variant has a 0.0894% maximum allele frequency in non-founder control populations (PM2). Based on the current evidence, this variant is classified as pathogenic for autosomal recessive Fletcher factor (prekallikrein) deficiency.

Institute for Clinical Chemistry and Laboratory Medicine, University Medical Center Mainz
Classification: Pathogenic for Inherited prekallikrein deficiency. Last evaluated: 2022-12-09. Review status: criteria provided, single submitter. Criteria: ACMG Guidelines, 2015. Collection method: clinical testing. Allele origin: germline. Inheritance: Autosomal recessive inheritance. Affected: yes and no. Observed: 6 variant alleles, 3 heterozygotes, 2 compound heterozygotes, 1 homozygote. Clinical features observed: Prolonged partial thromboplastin time (HP:0003645), Prekallikrein Deficiency.
Comment: We have identified the variant NM_000892.4(KLKB1):c.1643G>A p.(Cys548Tyr) in three unrelated families, each with an index case of severe prekallikrein (PK) deficiency (Barco et al. PMID: 32202057). The second family consists of a compound heterozygous index case carrying the above variant and the stop gained variant c.1196G>A p.(Trp399*) (<1% PK activity; 6-10% PK antigen; prolonged aPTT) and its daughter heterozygous for c.1643G>A (family first described in PMID: 8259543 as "PK Zurich"). The third case is a single compound heterozygous individual carrying the above variant and c.689T>A p.(Ile230Asn) (<1% PK activity; 9% PK antigen; prolonged aPTT) (first published in a PhD thesis: urn:nbn:de:hebis:30-67544 (in German)). Eight more cases have been reported in the literature by five authors (summarized in PMID: 32202057); some use the old nomenclature Cys529Tyr: Farac presents in her above mentioned PhD thesis two further compound heterozygous cases of Cys548Tyr (with c.451dupT and c.717_719delCTT, respectively) and one homozygous case. Dasanu et al. (PMID: 19773642) reported one, and Francois et al. (PMID: 17413767) two unrelated homozygous cases. Two other compound heterozygous cases are described by Maak et al (also with c.451dupT)(PMID: 19404525) and Lombardi et al (with c.1205G>A)(PMID: 14652634). All of these cases have in common that they have no PK activity (<1%) but, if measured, a residual antigen of 6-10% (CRM+). In addition, this variant has a global MAF of 0.03-0.08% (dbSNP) but reaches a MAF of 0.1% (GnomAD) among Europeans and Latinos, making it the most common PK deficiency-causing variant in these two collectives (Barco et al. PMID: 32202057). Based on all this, this variant is clearly pathogenic (ACMG criteria).

GeneDx
Classification: Uncertain significance. Last evaluated: 2017-05-08. Review status: criteria provided, single submitter. Criteria: GeneDx Variant Classification (06012015). Collection method: clinical testing. Allele origin: germline. Affected: yes.
Comment: The C548Y variant in the KLKB1 gene has been reported previously in prekallikrein deficiency, in an individual with prolonged activated partial thromboplastin time who was compound heterozygous for the C548Y variant and another variant (Lombardi et al., 2003). The C548Y variant is observed in 19/11574 (0.16%) alleles from individuals of Latino background, and in 68/66574 (0.10%) alleles from individuals of Non-Finnish European background, in the ExAC dataset (Lek et al., 2016). The C548Y variant is a non-conservative amino acid substitution, which is likely to impact secondary protein structure as these residues differ in polarity, charge, size and/or other properties. This substitution occurs at a position that is conserved across species. In silico analysis predicts this variant is probably damaging to the protein structure/function. We interpret C548Y as a variant of uncertain significance.

OMIM
Classification: Pathogenic for PREKALLIKREIN DEFICIENCY. Last evaluated: 2003-12-01. Review status: no assertion criteria provided. Collection method: literature only. Allele origin: germline. Not counted in ClinVar's aggregate classification.

Literature cited by the submitters: PubMed 14652634 (cited by Variantyx, Inc. and OMIM); PubMed 32202057 (cited by Variantyx, Inc. and Institute for Clinical Chemistry and Laboratory Medicine, University Medical Center Mainz).